The following is an entry in ClinVar:

NM_006268.5(DPF2):c.77A>G (p.Asn26Ser)

Gene: DPF2 (double PHD fingers 2; plus strand). Cytogenetic location: 11q13.1.
Variant type: single nucleotide variant.
Coding change: c.77A>G on transcript NM_006268.5 (MANE Select); coding-DNA position 77, A replaced by G.
Protein change: p.Asn26Ser; replaces asparagine 26 with serine.
Molecular consequence: missense variant.
Genome position (GRCh38, 1-based): chr11:65,340,429, A>G. VCF-style: chr11-65340429-A-G. GRCh37 (hg19) VCF-style: chr11-65107900-A-G.
Other names: c.77A>G, p.Asn26Ser (NM_001330308.2); short protein forms N26S.
Identifiers: ClinVar variation 3273576 (VCV003273576.3).
Genomic context (GRCh38, chr11:65,340,429, plus strand): 5'-TCTATCTTCCCTGCAGCCTTGGGGAGCAGTACTACAAAGATGCCATGGAGCAGTGCCACA[A>G]TTACAATGCTCGCCTCTGTGCTGAGCGCAGCGTGCGCCTGCCTTTCTTGGACTCACAGAC-3'
Protein context (NP_006259.1, residues 16-36): YYKDAMEQCH[Asn26Ser]YNARLCAERS

ClinVar aggregate classification (germline): Uncertain significance. Review status: criteria provided, multiple submitters, no conflicts (2 of 4 stars). 2 submissions from 2 submitters: Uncertain significance (2). Last evaluated 2024-12-07.

Conditions:
Inborn genetic diseases. Identifiers: MedGen C0950123, MeSH D030342.

gnomAD v4.1: 31 of 1,614,228 alleles (0.0019%); highest among the groups gnomAD compares: South Asian, 0.0044%; no homozygotes.

Submissions (2):

Labcorp Genetics (formerly Invitae), Labcorp
Classification: Uncertain significance. Last evaluated: 2024-12-07. Review status: criteria provided, single submitter. Criteria: Invitae Variant Classification Sherloc (09022015). Collection method: clinical testing. Allele origin: germline.
Comment: This sequence change replaces asparagine, which is neutral and polar, with serine, which is neutral and polar, at codon 26 of the DPF2 protein (p.Asn26Ser). This variant is present in population databases (rs745602444, gnomAD 0.006%). This variant has not been reported in the literature in individuals affected with DPF2-related conditions. An algorithm developed to predict the effect of missense changes on protein structure and function outputs the following: PolyPhen-2: "Benign". The serine amino acid residue is found in multiple mammalian species, which suggests that this missense change does not adversely affect protein function. In summary, the available evidence is currently insufficient to determine the role of this variant in disease. Therefore, it has been classified as a Variant of Uncertain Significance.

Ambry Genetics
Classification: Uncertain significance for Inborn genetic diseases. Last evaluated: 2024-06-05. Review status: criteria provided, single submitter. Criteria: Ambry Variant Classification Scheme 2023. Collection method: clinical testing. Allele origin: germline.